The following is an entry in ClinVar:

ClinVar aggregate classification (germline): Uncertain significance (1 of 4 stars; one submission).

Allele frequency attached by ClinVar (database versions not stated): TOPMed below 0.00001.
gnomAD v4.1: 2 of 1,613,780 alleles (0.00012%); highest among the groups gnomAD compares: Admixed American, 0.0017%; no homozygotes.

Submission:

Labcorp Genetics (formerly Invitae), Labcorp
Classification: Uncertain significance. Last evaluated: 2023-02-16. Review status: criteria provided, single submitter. Criteria: Invitae Variant Classification Sherloc (09022015). Collection method: clinical testing. Allele origin: germline.
Comment: This sequence change replaces histidine, which is basic and polar, with arginine, which is basic and polar, at codon 734 of the YME1L1 protein (p.His734Arg). This variant is present in population databases (rs142481948, gnomAD 0.003%). This variant has not been reported in the literature in individuals affected with YME1L1-related conditions. An algorithm developed to predict the effect of missense changes on protein structure and function (PolyPhen-2) suggests that this variant is likely to be tolerated. In summary, the available evidence is currently insufficient to determine the role of this variant in disease. Therefore, it has been classified as a Variant of Uncertain Significance.

NM_014263.4(YME1L1):c.2030A>G (p.His677Arg)

Gene: YME1L1 (YME1 like 1 ATPase; minus strand). Cytogenetic location: 10p12.1.
Variant type: single nucleotide variant.
Coding change: c.2030A>G on transcript NM_014263.4 (MANE Select); coding-DNA position 2030, A replaced by G.
Protein change: p.His677Arg; replaces histidine 677 with arginine.
Molecular consequence: missense variant.
Genome position (GRCh38, 1-based): chr10:27,112,098, T>C on the plus strand (A>G on the coding strand, the complement: YME1L1 is on the minus strand). VCF-style: chr10-27112098-T-C. GRCh37 (hg19) VCF-style: chr10-27401027-T-C.
Other names: c.1931A>G, p.His644Arg (NM_001253866.2); c.2201A>G, p.His734Arg (NM_139312.3); short protein forms H734R, H644R, H677R.
Identifiers: ClinVar variation 3018263 (VCV003018263.3), dbSNP rs142481948, ClinGen allele CA5449159.